The following is an entry in ClinVar:

ClinVar aggregate classification (germline): Uncertain significance. Review status: criteria provided, multiple submitters, no conflicts (2 of 4 stars). 4 submissions from 4 submitters: Uncertain significance (4). Last evaluated 2025-09-05.

Conditions:
Hereditary nonpolyposis colorectal neoplasms. Identifiers: MedGen C0009405, MeSH D003123.
Hereditary cancer-predisposing syndrome. Also called: Neoplastic Syndromes, Hereditary; Tumor predisposition; Hereditary neoplastic syndrome; Hereditary Cancer Syndrome. Identifiers: Orphanet 140162, MedGen C0027672, MeSH D009386, MONDO:0015356.
Lynch syndrome 5 (LYNCH5). Also called: Colorectal cancer, hereditary nonpolyposis, type 5; Hereditary non-polyposis colorectal cancer, type 5. Identifiers: Orphanet 144, MedGen C1833477, MONDO:0013710, OMIM 614350. Disease mechanism: loss of function.

Submissions (4):

Color Diagnostics, LLC DBA Color Health
Classification: Uncertain significance for Hereditary cancer-predisposing syndrome. Last evaluated: 2025-09-05. Review status: criteria provided, single submitter. Criteria: ACMG Guidelines, 2015. Collection method: clinical testing. Allele origin: germline.
Comment: This missense variant replaces cysteine with arginine at codon 496 of the MSH6 protein. Computational prediction suggests that this variant may have deleterious impact on protein structure and function. To our knowledge, functional studies have not been reported for this variant. This variant has not been reported in individuals affected with MSH6-related disorders in the literature. This variant has not been identified in the general population by the Genome Aggregation Database (gnomAD). The available evidence is insufficient to determine the role of this variant in disease conclusively. Therefore, this variant is classified as a Variant of Uncertain Significance.

Molecular Pathology, Peter Maccallum Cancer Centre
Classification: Uncertain significance for Lynch syndrome 5. Last evaluated: 2025-05-02. Review status: criteria provided, single submitter. Criteria: ACMG Guidelines, 2015. Collection method: clinical testing. Allele origin: germline. Inheritance: Autosomal dominant inheritance.

Ambry Genetics
Classification: Uncertain significance for Hereditary cancer-predisposing syndrome. Last evaluated: 2024-04-01. Review status: criteria provided, single submitter. Criteria: Ambry Variant Classification Scheme 2023. Collection method: clinical testing. Allele origin: germline.
Comment: The p.C496R variant (also known as c.1486T>C), located in coding exon 4 of the MSH6 gene, results from a T to C substitution at nucleotide position 1486. The cysteine at codon 496 is replaced by arginine, an amino acid with highly dissimilar properties. This amino acid position is conserved. In addition, this alteration is predicted to be deleterious by in silico analysis. Based on the available evidence, the clinical significance of this alteration remains unclear.

Labcorp Genetics (formerly Invitae), Labcorp
Classification: Uncertain significance for Hereditary nonpolyposis colorectal neoplasms. Last evaluated: 2022-12-27. Review status: criteria provided, single submitter. Criteria: Invitae Variant Classification Sherloc (09022015). Collection method: clinical testing. Allele origin: germline.
Comment: ClinVar contains an entry for this variant (Variation ID: 567078). In summary, the available evidence is currently insufficient to determine the role of this variant in disease. Therefore, it has been classified as a Variant of Uncertain Significance. Advanced modeling of protein sequence and biophysical properties (such as structural, functional, and spatial information, amino acid conservation, physicochemical variation, residue mobility, and thermodynamic stability) performed at Invitae indicates that this missense variant is not expected to disrupt MSH6 protein function. This variant has not been reported in the literature in individuals affected with MSH6-related conditions. This variant is not present in population databases (gnomAD no frequency). This sequence change replaces cysteine, which is neutral and slightly polar, with arginine, which is basic and polar, at codon 496 of the MSH6 protein (p.Cys496Arg).

NM_000179.3(MSH6):c.1486T>C (p.Cys496Arg)

Gene: MSH6 (mutS homolog 6; plus strand). Cytogenetic location: 2p16.3.
Variant type: single nucleotide variant.
Coding change: c.1486T>C on transcript NM_000179.3 (MANE Select); coding-DNA position 1486, T replaced by C.
Protein change: p.Cys496Arg; replaces cysteine 496 with arginine.
Molecular consequence: missense variant.
Genome position (GRCh38, 1-based): chr2:47,799,469, T>C. VCF-style: chr2-47799469-T-C. GRCh37 (hg19) VCF-style: chr2-48026608-T-C.
Other names: c.1096T>C, p.Cys366Arg (NM_001281492.2); c.580T>C, p.Cys194Arg (NM_001281493.2, NM_001281494.2); short protein forms C496R, C366R, C194R.
Identifiers: ClinVar variation 567078 (VCV000567078.11), dbSNP rs1558661860, ClinGen allele CA346746069.